The following is an entry in ClinVar:

ClinVar aggregate classification (germline): Likely benign (1 of 4 stars; one submission).

Submission:

CeGaT Center for Human Genetics Tuebingen
Classification: Likely benign. Last evaluated: 2026-02-01. Review status: criteria provided, single submitter. Criteria: CeGaT Center For Human Genetics Tuebingen Variant Classification Criteria Version 2. Collection method: clinical testing. Allele origin: germline. Affected: yes. Observed: 1 variant allele.
Comment: FAF2: PM2:Supporting, BP4, BP7

NM_014613.3(FAF2):c.612T>C (p.Thr204=)

Gene: FAF2 (Fas associated factor family member 2; plus strand). Cytogenetic location: 5q35.2.
Variant type: single nucleotide variant.
Coding change: c.612T>C on transcript NM_014613.3 (MANE Select); coding-DNA position 612, T replaced by C.
Protein change: p.Thr204=; no amino-acid change (threonine 204 retained).
Molecular consequence: synonymous variant.
Genome position (GRCh38, 1-based): chr5:176,494,226, T>C. VCF-style: chr5-176494226-T-C. GRCh37 (hg19) VCF-style: chr5-175921227-T-C.
Identifiers: ClinVar variation 4823359 (VCV004823359.4).